The following is an entry in ClinVar:

ClinVar aggregate classification (germline): Uncertain significance. Review status: criteria provided, multiple submitters, no conflicts (2 of 4 stars). 2 submissions from 2 submitters: Uncertain significance (2). Last evaluated 2025-05-13.

Conditions:
Inborn genetic diseases. Identifiers: MedGen C0950123, MeSH D030342.

Submissions (2):

Ambry Genetics
Classification: Uncertain significance for Inborn genetic diseases. Last evaluated: 2025-05-13. Review status: criteria provided, single submitter. Criteria: Ambry Variant Classification Scheme 2023. Collection method: clinical testing. Allele origin: germline.

Labcorp Genetics (formerly Invitae), Labcorp
Classification: Uncertain significance. Last evaluated: 2024-03-31. Review status: criteria provided, single submitter. Criteria: Invitae Variant Classification Sherloc (09022015). Collection method: clinical testing. Allele origin: germline.
Comment: This sequence change replaces glycine, which is neutral and non-polar, with serine, which is neutral and polar, at codon 2830 of the DNAH9 protein (p.Gly2830Ser). This variant is present in population databases (rs768389145, gnomAD 0.02%). This variant has not been reported in the literature in individuals affected with DNAH9-related conditions. Advanced modeling of protein sequence and biophysical properties (such as structural, functional, and spatial information, amino acid conservation, physicochemical variation, residue mobility, and thermodynamic stability) performed at Invitae indicates that this missense variant is expected to disrupt DNAH9 protein function with a positive predictive value of 80%. In summary, the available evidence is currently insufficient to determine the role of this variant in disease. Therefore, it has been classified as a Variant of Uncertain Significance.

NM_001372.4(DNAH9):c.8488G>A (p.Gly2830Ser)

Gene: DNAH9 (dynein axonemal heavy chain 9; plus strand). Cytogenetic location: 17p12.
Variant type: single nucleotide variant.
Coding change: c.8488G>A on transcript NM_001372.4 (MANE Select); coding-DNA position 8488, G replaced by A.
Protein change: p.Gly2830Ser; replaces glycine 2830 with serine.
Molecular consequence: missense variant.
Genome position (GRCh38, 1-based): chr17:11,807,799, G>A. VCF-style: chr17-11807799-G-A. GRCh37 (hg19) VCF-style: chr17-11711116-G-A.
Other names: c.8488G>A (NM_001372.3); short protein forms G2830S.
Identifiers: ClinVar variation 3637066 (VCV003637066.3).